The following is an entry in ClinVar:

NM_007315.4(STAT1):c.1886A>T (p.His629Leu)

Gene: STAT1 (signal transducer and activator of transcription 1; minus strand). Cytogenetic location: 2q32.2.
Variant type: single nucleotide variant.
Coding change: c.1886A>T on transcript NM_007315.4 (MANE Select); coding-DNA position 1886, A replaced by T.
Protein change: p.His629Leu; replaces histidine 629 with leucine.
Molecular consequence: missense variant.
Genome position (GRCh38, 1-based): chr2:190,977,013, T>A on the plus strand (A>T on the coding strand, the complement: STAT1 is on the minus strand). VCF-style: chr2-190977013-T-A. GRCh37 (hg19) VCF-style: chr2-191841739-T-A.
Other names: c.1826A>T, p.His609Leu (NM_001384880.1); c.1892A>T, p.His631Leu (NM_001384881.1, NM_001384884.1); c.1880A>T, p.His627Leu (NM_001384882.1); c.1787A>T, p.His596Leu (NM_001384883.1); c.1727A>T, p.His576Leu (NM_001384885.1); c.1886A>T, p.His629Leu (NM_001384886.1, NM_001384889.1, NM_139266.3); c.1793A>T, p.His598Leu (NM_001384887.1); c.1856A>T, p.His619Leu (NM_001384888.1); and 2 more; short protein forms H629L, H576L, H596L, H598L, H599L, H609L, H619L, H627L.
Identifiers: ClinVar variation 843006 (VCV000843006.10), dbSNP rs1691957289, ClinGen allele CA349912561.

ClinVar aggregate classification (germline): Uncertain significance (1 of 4 stars; one submission).

Conditions:
Immunodeficiency 31B. Also called: IMMUNODEFICIENCY 31B, MYCOBACTERIAL AND VIRAL INFECTIONS, AUTOSOMAL RECESSIVE; STAT1 DEFICIENCY, AUTOSOMAL RECESSIVE. Identifiers: Orphanet 391311, MedGen C3151088, MONDO:0013427, OMIM 613796.
Autoimmune enteropathy and endocrinopathy - susceptibility to chronic infections syndrome. Also called: Immunodeficiency 31C, autosomal dominant; Immunodeficiency 31C. Identifiers: Orphanet 391487, MedGen C3279990, MONDO:0013599, OMIM 614162.
Mendelian susceptibility to mycobacterial diseases due to partial STAT1 deficiency. Also called: IMMUNODEFICIENCY 31A, MYCOBACTERIOSIS, AUTOSOMAL DOMINANT; STAT1 DEFICIENCY, AUTOSOMAL DOMINANT; Immunodeficiency 31a. Identifiers: Orphanet 319595, MedGen C4013950, MONDO:0013956, OMIM 614892.

Submission:

Labcorp Genetics (formerly Invitae), Labcorp
Classification: Uncertain significance for Mendelian susceptibility to mycobacterial diseases due to partial STAT1 deficiency; Immunodeficiency 31B; Autoimmune enteropathy and endocrinopathy - susceptibility to chronic infections syndrome. Last evaluated: 2019-12-27. Review status: criteria provided, single submitter. Criteria: Invitae Variant Classification Sherloc (09022015). Collection method: clinical testing. Allele origin: germline.
Comment: This variant is not present in population databases (ExAC no frequency). In summary, the available evidence is currently insufficient to determine the role of this variant in disease. Therefore, it has been classified as a Variant of Uncertain Significance. This variant disrupts the p.His629 amino acid residue in STAT1. Other variant(s) that disrupt this residue have been determined to be pathogenic (PMID: 26948078, 30131873). This suggests that this residue is clinically significant, and that variants that disrupt this residue are likely to be disease-causing. Algorithms developed to predict the effect of missense changes on protein structure and function are either unavailable or do not agree on the potential impact of this missense change (SIFT: "Tolerated"; PolyPhen-2: "Possibly Damaging"; Align-GVGD: "Class C0"). This variant has not been reported in the literature in individuals with STAT1-related conditions. This sequence change replaces histidine with leucine at codon 629 of the STAT1 protein (p.His629Leu). The histidine residue is highly conserved and there is a moderate physicochemical difference between histidine and leucine.

Literature cited by the submitters: PubMed 26948078; PubMed 30131873.